The following is an entry in ClinVar:

ClinVar aggregate classification (germline): Likely benign (1 of 4 stars; one submission).

Allele frequency attached by ClinVar (database versions not stated): gnomAD 0.00001; gnomAD exomes 0.00001; ExAC 0.00002; 1000 Genomes Project 30x 0.00016; 1000 Genomes Project 0.00020.
gnomAD v4.1: 12 of 1,614,024 alleles (0.00074%); highest among the groups gnomAD compares: Middle Eastern, 0.017%; no homozygotes.

Submission:

CeGaT Center for Human Genetics Tuebingen
Classification: Likely benign. Last evaluated: 2024-06-01. Review status: criteria provided, single submitter. Criteria: CeGaT Center For Human Genetics Tuebingen Variant Classification Criteria Version 2. Collection method: clinical testing. Allele origin: germline. Affected: yes. Observed: 1 variant allele.
Comment: SPEF2: BP4, BP7

NM_024867.4(SPEF2):c.4704G>A (p.Gln1568=)

Gene: SPEF2 (sperm flagellar and cilia associated 2; plus strand). Cytogenetic location: 5p13.2.
Variant type: single nucleotide variant.
Coding change: c.4704G>A on transcript NM_024867.4 (MANE Select); coding-DNA position 4704, G replaced by A.
Protein change: p.Gln1568=; no amino-acid change (glutamine 1568 retained).
Molecular consequence: synonymous variant.
Genome position (GRCh38, 1-based): chr5:35,793,308, G>A. VCF-style: chr5-35793308-G-A. GRCh37 (hg19) VCF-style: chr5-35793410-G-A.
Identifiers: ClinVar variation 3250650 (VCV003250650.18), dbSNP rs145850175.